The following is an entry in ClinVar:

NM_139057.4(ADAMTS17):c.2713T>C (p.Cys905Arg)

Gene: ADAMTS17 (ADAM metallopeptidase with thrombospondin type 1 motif 17; minus strand). Cytogenetic location: 15q26.3.
Variant type: single nucleotide variant.
Coding change: c.2713T>C on transcript NM_139057.4 (MANE Select); coding-DNA position 2713, T replaced by C.
Protein change: p.Cys905Arg; replaces cysteine 905 with arginine.
Molecular consequence: missense variant.
Genome position (GRCh38, 1-based): chr15:99,997,468, A>G on the plus strand (T>C on the coding strand, the complement: ADAMTS17 is on the minus strand). VCF-style: chr15-99997468-A-G. GRCh37 (hg19) VCF-style: chr15-100537673-A-G.
Other names: short protein forms C905R.
Identifiers: ClinVar variation 2055562 (VCV002055562.4), dbSNP rs2548003961, ClinGen allele CA393694166.
Genomic context (GRCh38, chr15:99,997,468, plus strand): 5'-AGATGGACAGGCAGTCCTGGCCTTCACAGCTCTGCACTGCCGCCGGCCGGGGGCCCGGGC[A>G]GTAGAGGGGCCGCGTAGCGACGTGTGTGCCGTTCTGCAGCTGGTACACGCAGGTCACCTC-3'
Protein context (NP_620688.2, residues 895-915): GTHVATRPLY[Cys905Arg]PGPRPAAVQS

ClinVar aggregate classification (germline): Uncertain significance (1 of 4 stars; one submission).

Allele frequency attached by ClinVar (database versions not stated): gnomAD exomes below 0.00001.
gnomAD v4.1: 1 of 1,613,578 alleles (0.000062%); highest among the groups gnomAD compares: Non-Finnish European, 0.000085%; no homozygotes.

Submission:

Labcorp Genetics (formerly Invitae), Labcorp
Classification: Uncertain significance. Last evaluated: 2021-12-23. Review status: criteria provided, single submitter. Criteria: Invitae Variant Classification Sherloc (09022015). Collection method: clinical testing. Allele origin: germline.
Comment: This sequence change replaces cysteine, which is neutral and slightly polar, with arginine, which is basic and polar, at codon 905 of the ADAMTS17 protein (p.Cys905Arg). This variant is not present in population databases (gnomAD no frequency). This variant has not been reported in the literature in individuals affected with ADAMTS17-related conditions. Algorithms developed to predict the effect of missense changes on protein structure and function are either unavailable or do not agree on the potential impact of this missense change (SIFT: "Not Available"; PolyPhen-2: "Probably Damaging"; Align-GVGD: "Not Available"). In summary, the available evidence is currently insufficient to determine the role of this variant in disease. Therefore, it has been classified as a Variant of Uncertain Significance.